The following is an entry in ClinVar:

ClinVar aggregate classification (germline): Uncertain significance (1 of 4 stars; one submission).

Conditions:
Werner syndrome (WRN). Identifiers: Orphanet 902, MedGen C0043119, MONDO:0010196, OMIM 277700.

gnomAD v4.1: 2 of 1,613,676 alleles (0.00012%); highest among the groups gnomAD compares: Admixed American, 0.0033%; no homozygotes.

Submission:

Labcorp Genetics (formerly Invitae), Labcorp
Classification: Uncertain significance for Werner syndrome. Last evaluated: 2019-11-20. Review status: criteria provided, single submitter. Criteria: Invitae Variant Classification Sherloc (09022015). Collection method: clinical testing. Allele origin: germline.
Comment: This sequence change replaces lysine with glutamine at codon 156 of the WRN protein (p.Lys156Gln). The lysine residue is moderately conserved and there is a small physicochemical difference between lysine and glutamine. This variant is present in population databases (rs758208189, ExAC 0.009%). This variant has not been reported in the literature in individuals with WRN-related conditions. Algorithms developed to predict the effect of missense changes on protein structure and function are either unavailable or do not agree on the potential impact of this missense change (SIFT: "Tolerated"; PolyPhen-2: "Possibly Damaging"; Align-GVGD: "Class C0"). Algorithms developed to predict the effect of sequence changes on RNA splicing suggest that this variant may create or strengthen a splice site, but this prediction has not been confirmed by published transcriptional studies. In summary, the available evidence is currently insufficient to determine the role of this variant in disease. Therefore, it has been classified as a Variant of Uncertain Significance.

NM_000553.6(WRN):c.466A>C (p.Lys156Gln)

Gene: WRN (WRN RecQ like helicase; plus strand). Cytogenetic location: 8p12.
Variant type: single nucleotide variant.
Coding change: c.466A>C on transcript NM_000553.6 (MANE Select); coding-DNA position 466, A replaced by C.
Protein change: p.Lys156Gln; replaces lysine 156 with glutamine.
Molecular consequence: missense variant.
Genome position (GRCh38, 1-based): chr8:31,065,025, A>C. VCF-style: chr8-31065025-A-C. GRCh37 (hg19) VCF-style: chr8-30922541-A-C.
Other names: short protein forms K156Q.
Identifiers: ClinVar variation 858195 (VCV000858195.5), dbSNP rs758208189, ClinGen allele CA4704072.
Genomic context (GRCh38, chr8:31,065,025, plus strand): 5'-GCAGGTGTAGGAATTGAAGGAGATCAGTGGAAACTTCTACGTGACTTTGATATCAAATTG[A>C]AGAATTTTGTGGAGTTGACAGATGTTGCCAATAAAAAGGTAAAAGCAATATATATATAAT-3'
Protein context (NP_000544.2, residues 146-166): KLLRDFDIKL[Lys156Gln]NFVELTDVAN